The following is an entry in ClinVar:

ClinVar aggregate classification (germline): Pathogenic (1 of 4 stars; one submission).

Conditions:
Autosomal recessive Alport syndrome (ATS2). Also called: COL4A3-Related Nephropathy; ALPORT SYNDROME 2, AUTOSOMAL RECESSIVE; COL4A4 Alport Syndrome and Thin Basement Membrane Nephropathy; Alport syndrome type 2. Identifiers: Orphanet 63, Orphanet 88919, MedGen C4746745, MONDO:0008762, OMIM 203780.

Submission:

3billion
Classification: Pathogenic for Autosomal recessive Alport syndrome. Last evaluated: 2024-09-06. Review status: criteria provided, single submitter. Criteria: ACMG Guidelines, 2015. Collection method: clinical testing. Allele origin: germline. Affected: yes.
Comment: The variant is not observed in the gnomAD v4.0.0 dataset. Predicted Consequence/Location: Stop-gained (nonsense): predicted to result in a loss or disruption of normal protein function through nonsense-mediated decay (NMD) or protein truncation. Multiple pathogenic variants are reported downstream of the variant. The variant has been reported to be associated with COL4A4-related disorder (ClinVar ID: VCV001526243 /3billion dataset). Therefore, this variant is classified as Pathogenic according to the recommendation of ACMG/AMP guideline.

NM_000092.5(COL4A4):c.536T>G (p.Leu179Ter)

Gene: COL4A4 (collagen type IV alpha 4 chain; minus strand). Cytogenetic location: 2q36.3.
Variant type: single nucleotide variant.
Coding change: c.536T>G on transcript NM_000092.5 (MANE Select); coding-DNA position 536, T replaced by G.
Protein change: p.Leu179Ter; replaces leucine 179 with a stop codon.
Molecular consequence: nonsense.
Genome position (GRCh38, 1-based): chr2:227,114,650, A>C on the plus strand (T>G on the coding strand, the complement: COL4A4 is on the minus strand). VCF-style: chr2-227114650-A-C. GRCh37 (hg19) VCF-style: chr2-227979366-A-C.
Other names: short protein forms L179*.
Identifiers: ClinVar variation 1526243 (VCV001526243.2), dbSNP rs2124925120, ClinGen allele CA350861331.